The following is an entry in ClinVar:

NM_001492.6(GDF1):c.300C>T (p.Asn100=)

Genes: CERS1 (ceramide synthase 1; minus strand), GDF1 (growth differentiation factor 1; minus strand). Cytogenetic location: 19p13.11.
Variant type: single nucleotide variant.
Coding change: c.300C>T on transcript NM_001492.6 (MANE Select); coding-DNA position 300, C replaced by T.
Protein change: p.Asn100=; no amino-acid change (asparagine 100 retained).
Molecular consequence: synonymous variant. On other transcripts: 3 prime UTR variant (2).
Genome position (GRCh38, 1-based): chr19:18,870,008, G>A on the plus strand (C>T on the coding strand, the complement: GDF1 is on the minus strand). VCF-style: chr19-18870008-G-A. GRCh37 (hg19) VCF-style: chr19-18980817-G-A.
Other names: c.*569C>T (NM_001387440.1, NM_021267.5); c.300C>T, p.Asn100= (NM_001387438.1).
Identifiers: ClinVar variation 3778114 (VCV003778114.7).

ClinVar aggregate classification (germline): Likely benign (1 of 4 stars; one submission).

gnomAD v4.1: 1 of 1,596,856 alleles (0.000063%); no homozygotes.

Submission:

CeGaT Center for Human Genetics Tuebingen
Classification: Likely benign. Last evaluated: 2025-03-01. Review status: criteria provided, single submitter. Criteria: CeGaT Center For Human Genetics Tuebingen Variant Classification Criteria Version 2. Collection method: clinical testing. Allele origin: germline. Affected: yes. Observed: 1 variant allele.
Comment: GDF1: BP4, BP7